The following is an entry in ClinVar:

ClinVar aggregate classification (germline): Likely benign (0 of 4 stars; one submission).

Conditions:
PCNT-related disorder. Also called: PCNT-related condition.

gnomAD v4.1: 1 of 1,612,194 alleles (0.000062%); highest among the groups gnomAD compares: Admixed American, 0.0017%; no homozygotes.

Submission:

PreventionGenetics, part of Exact Sciences
Classification: Likely benign for PCNT-related condition. Last evaluated: 2023-07-21. Review status: no assertion criteria provided. Collection method: clinical testing. Allele origin: germline.
Comment: This variant is classified as likely benign based on ACMG/AMP sequence variant interpretation guidelines (Richards et al. 2015 PMID: 25741868, with internal and published modifications).

NM_006031.6(PCNT):c.8259C>T (p.Arg2753=)

Gene: PCNT (pericentrin; plus strand). Cytogenetic location: 21q22.3.
Variant type: single nucleotide variant.
Coding change: c.8259C>T on transcript NM_006031.6 (MANE Select); coding-DNA position 8259, C replaced by T.
Protein change: p.Arg2753=; no amino-acid change (arginine 2753 retained).
Molecular consequence: synonymous variant.
Genome position (GRCh38, 1-based): chr21:46,431,723, C>T. VCF-style: chr21-46431723-C-T. GRCh37 (hg19) VCF-style: chr21-47851637-C-T.
Other names: c.7905C>T, p.Arg2635= (NM_001315529.2).
Identifiers: ClinVar variation 3356170 (VCV003356170.1).